The following is an entry in ClinVar:

NM_015338.6(ASXL1):c.2588A>T (p.Asp863Val)

Gene: ASXL1 (ASXL transcriptional regulator 1; plus strand). Cytogenetic location: 20q11.21.
Variant type: single nucleotide variant.
Coding change: c.2588A>T on transcript NM_015338.6 (MANE Select); coding-DNA position 2588, A replaced by T.
Protein change: p.Asp863Val; replaces aspartic acid 863 with valine.
Molecular consequence: missense variant.
Genome position (GRCh38, 1-based): chr20:32,435,300, A>T. VCF-style: chr20-32435300-A-T. GRCh37 (hg19) VCF-style: chr20-31023103-A-T.
Other names: c.2405A>T, p.Asp802Val (NM_001363734.1); short protein forms D802V, D863V.
Identifiers: ClinVar variation 4587566 (VCV004587566.1).

ClinVar aggregate classification (germline): Uncertain significance (1 of 4 stars; one submission).

Conditions:
Inborn genetic diseases. Identifiers: MedGen C0950123, MeSH D030342.

Submission:

Ambry Genetics
Classification: Uncertain significance for Inborn genetic diseases. Last evaluated: 2025-10-03. Review status: criteria provided, single submitter. Criteria: Ambry Variant Classification Scheme 2023. Collection method: clinical testing. Allele origin: germline.
Comment: The p.D863V variant (also known as c.2588A>T), located in coding exon 13 of the ASXL1 gene, results from an A to T substitution at nucleotide position 2588. The aspartic acid at codon 863 is replaced by valine, an amino acid with highly dissimilar properties. This amino acid position is conserved. In addition, this alteration is predicted to be tolerated by in silico analysis. Based on the available evidence, the clinical significance of this variant remains unclear.